The following is an entry in ClinVar:

NM_000359.3(TGM1):c.365C>T (p.Ser122Leu)

Gene: TGM1 (transglutaminase 1; minus strand). Cytogenetic location: 14q12.
Variant type: single nucleotide variant.
Coding change: c.365C>T on transcript NM_000359.3 (MANE Select); coding-DNA position 365, C replaced by T.
Protein change: p.Ser122Leu; replaces serine 122 with leucine.
Molecular consequence: missense variant.
Genome position (GRCh38, 1-based): chr14:24,261,838, G>A on the plus strand (C>T on the coding strand, the complement: TGM1 is on the minus strand). VCF-style: chr14-24261838-G-A. GRCh37 (hg19) VCF-style: chr14-24731044-G-A.
Other names: short protein forms S122L.
Identifiers: ClinVar variation 712145 (VCV000712145.18), dbSNP rs141486741, ClinGen allele CA7131437.

ClinVar aggregate classification (germline): Benign/Likely benign. Review status: criteria provided, multiple submitters, no conflicts (2 of 4 stars). 5 submissions from 5 submitters: Benign (1); Likely benign (3). 1 of the submissions does not count toward it. Last evaluated 2026-01-20.

Conditions:
Autosomal recessive congenital ichthyosis 1 (LI1). Also called: COLLODION FETUS; DESQUAMATION OF NEWBORN; ICHTHYOSIS, CONGENITAL, AUTOSOMAL RECESSIVE 1, WITH OR WITHOUT BATHING SUIT DISTRIBUTION; ICHTHYOSIS CONGENITA; ICHTHYOSIS CONGENITA II; LAMELLAR EXFOLIATION OF NEWBORN. Identifiers: MedGen C4551630, MONDO:0009441, OMIM 242300.

Allele frequency attached by ClinVar (database versions not stated): gnomAD exomes 0.00044 and 0.00114; gnomAD 0.00463 and 0.00492; TOPMed 0.00526; 1000 Genomes Project 30x 0.00531; 1000 Genomes Project 0.00619; ExAC 0.00145; ESP Exome Variant Server 0.00423.
gnomAD v4.1: 1,387 of 1,613,902 alleles (0.086%); highest among the groups gnomAD compares: African/African-American, 1.6%; 13 homozygotes.

Submissions (5):

Labcorp Genetics (formerly Invitae), Labcorp
Classification: Benign. Last evaluated: 2026-01-20. Review status: criteria provided, single submitter. Criteria: Invitae Variant Classification Sherloc (09022015). Collection method: clinical testing. Allele origin: germline.

Illumina Laboratory Services, Illumina
Classification: Likely benign for Autosomal recessive congenital ichthyosis 1. Last evaluated: 2018-01-12. Review status: criteria provided, single submitter. Criteria: ICSL Variant Classification Criteria 13 December 2019. Collection method: clinical testing. Allele origin: germline.
Comment: This variant was observed in the ICSL laboratory as part of a predisposition screen in an ostensibly healthy population. It had not been previously curated by ICSL or reported in the Human Gene Mutation Database (HGMD: prior to June 1st, 2018), and was therefore a candidate for classification through an automated scoring system. Utilizing variant allele frequency, disease prevalence and penetrance estimates, and inheritance mode, an automated score was calculated to assess if this variant is too frequent to cause the disease. Based on the score and internal cut-off values, a variant classified as likely benign is not then subjected to further curation. The score for this variant resulted in a classification of likely benign for this disease.

Breakthrough Genomics
Classification: Likely benign. Review status: criteria provided, single submitter. Criteria: ACMG Guidelines, 2015. Collection method: not provided. Allele origin: germline. Inheritance: Autosomal recessive inheritance. Affected: yes.

Genome-Nilou Lab
Classification: Likely benign for Autosomal recessive congenital ichthyosis 1. Review status: criteria provided, single submitter. Criteria: ACMG Guidelines, 2015. Collection method: clinical testing. Allele origin: germline.

Natera, Inc.
Classification: Benign for Autosomal recessive congenital ichthyosis type 1. Last evaluated: 2019-11-11. Review status: no assertion criteria provided. Collection method: clinical testing. Allele origin: germline. Not counted in ClinVar's aggregate classification.